The following is an entry in ClinVar:

ClinVar aggregate classification (germline): Pathogenic/Likely pathogenic. Review status: criteria provided, multiple submitters, no conflicts (2 of 4 stars). 2 submissions from 2 submitters: Pathogenic (1); Likely pathogenic (1). Last evaluated 2023-12-05.

Conditions:
Hereditary pancreatitis (PCTT). Also called: Hereditary chronic pancreatitis; PRSS1-Related Hereditary Pancreatitis. Identifiers: Orphanet 676, MedGen C0238339, MONDO:0008185, OMIM 167800.

Allele frequency attached by ClinVar (database versions not stated): gnomAD exomes below 0.00001; TOPMed below 0.00001.
gnomAD v4.1: 1 of 1,614,232 alleles (0.000062%); highest among the groups gnomAD compares: Non-Finnish European, 0.000085%; no homozygotes.

Submissions (2):

ARUP Laboratories, Molecular Genetics and Genomics, ARUP Laboratories
Classification: Likely pathogenic for Hereditary pancreatitis. Last evaluated: 2023-12-05. Review status: criteria provided, single submitter. Criteria: ARUP Molecular Germline Variant Investigation Process 2024. Collection method: clinical testing. Allele origin: germline.
Comment: The CTRC c.520C>T; p.Gln174Ter variant (rs1290349619), to our knowledge, is not reported in the medical literature but is reported in ClinVar (Variation ID: 2561887). This variant is only observed on one allele in the Genome Aggregation Database (v2.1.1), indicating it is not a common polymorphism. This variant induces an early termination codon and is predicted to result in a truncated protein or mRNA subject to nonsense-mediated decay. Based on available information, this variant is considered to be likely pathogenic.

Ambry Genetics
Classification: Pathogenic for Hereditary pancreatitis. Last evaluated: 2023-04-05. Review status: criteria provided, single submitter. Criteria: Ambry Variant Classification Scheme 2023. Collection method: clinical testing. Allele origin: germline.
Comment: The p.Q174* pathogenic mutation (also known as c.520C>T), located in coding exon 6 of the CTRC gene, results from a C to T substitution at nucleotide position 520. This changes the amino acid from a glutamine to a stop codon within coding exon 6. This variant is considered to be rare based on population cohorts in the Genome Aggregation Database (gnomAD). This alteration is expected to result in loss of function by premature protein truncation or nonsense-mediated mRNA decay. As such, this alteration is interpreted as a disease-causing mutation.

NM_007272.3(CTRC):c.520C>T (p.Gln174Ter)

Gene: CTRC (chymotrypsin C; plus strand). Cytogenetic location: 1p36.21.
Variant type: single nucleotide variant.
Coding change: c.520C>T on transcript NM_007272.3 (MANE Select); coding-DNA position 520, C replaced by T.
Protein change: p.Gln174Ter; replaces glutamine 174 with a stop codon.
Molecular consequence: nonsense.
Genome position (GRCh38, 1-based): chr1:15,444,632, C>T. VCF-style: chr1-15444632-C-T. GRCh37 (hg19) VCF-style: chr1-15771127-C-T.
Other names: short protein forms Q174*.
Identifiers: ClinVar variation 2561887 (VCV002561887.3), dbSNP rs1290349619, ClinGen allele CA338567004.